The following is an entry in ClinVar:

ClinVar aggregate classification (germline): Likely benign. Review status: criteria provided, multiple submitters, no conflicts (2 of 4 stars). 2 submissions from 2 submitters: Likely benign (2). Last evaluated 2018-06-16.

Allele frequency attached by ClinVar (database versions not stated): 1000 Genomes Project 30x 0.00671; 1000 Genomes Project 0.00699; gnomAD exomes 0.01221 and 0.01946; ExAC 0.01275; gnomAD 0.01300 and 0.01335; TOPMed 0.01347; ESP Exome Variant Server 0.01422.
gnomAD v4.1: 30,045 of 1,605,032 alleles (1.9%); highest among the groups gnomAD compares: Non-Finnish European, 2.3%; 333 homozygotes.

Submissions (2):

GeneDx
Classification: Likely benign. Last evaluated: 2018-06-16. Review status: criteria provided, single submitter. Criteria: GeneDx Variant Classification (06012015). Collection method: clinical testing. Allele origin: germline. Affected: yes.
Comment: This variant is considered likely benign or benign based on one or more of the following criteria: it is a conservative change, it occurs at a poorly conserved position in the protein, it is predicted to be benign by multiple in silico algorithms, and/or has population frequency not consistent with disease.

Breakthrough Genomics
Classification: Likely benign. Review status: criteria provided, single submitter. Criteria: ACMG Guidelines, 2015. Collection method: not provided. Allele origin: germline. Inheritance: Autosomal recessive inheritance. Affected: yes.

NM_014844.5(TECPR2):c.4082-32G>A

Gene: TECPR2 (tectonin beta-propeller repeat containing 2; plus strand). Cytogenetic location: 14q32.31.
Variant type: single nucleotide variant.
Coding change: c.4082-32G>A on transcript NM_014844.5 (MANE Select); 32 bases into the intron before coding-DNA position 4082, G replaced by A.
Molecular consequence: intron variant.
Genome position (GRCh38, 1-based): chr14:102,498,071, G>A. VCF-style: chr14-102498071-G-A. GRCh37 (hg19) VCF-style: chr14-102964408-G-A.
Identifiers: ClinVar variation 670745 (VCV000670745.2), dbSNP rs75405230, ClinGen allele CA7358465.